The following is an entry in ClinVar:

NM_006206.6(PDGFRA):c.1272C>A (p.His424Gln)

Gene: PDGFRA (platelet derived growth factor receptor alpha; plus strand). Cytogenetic location: 4q12.
Variant type: single nucleotide variant.
Coding change: c.1272C>A on transcript NM_006206.6 (MANE Select); coding-DNA position 1272, C replaced by A.
Protein change: p.His424Gln; replaces histidine 424 with glutamine.
Molecular consequence: missense variant.
Genome position (GRCh38, 1-based): chr4:54,272,428, C>A. VCF-style: chr4-54272428-C-A. GRCh37 (hg19) VCF-style: chr4-55138595-C-A.
Other names: c.1272C>A, p.His424Gln (NM_001347827.2, NM_001347829.2); c.1347C>A, p.His449Gln (NM_001347828.2); c.1311C>A, p.His437Gln (NM_001347830.2); short protein forms H437Q, H449Q, H424Q.
Identifiers: ClinVar variation 3930201 (VCV003930201.1).

ClinVar aggregate classification (germline): Uncertain significance (1 of 4 stars; one submission).

Conditions:
Hereditary cancer-predisposing syndrome. Also called: Tumor predisposition; Hereditary neoplastic syndrome; Hereditary Cancer Syndrome; Neoplastic Syndromes, Hereditary. Identifiers: Orphanet 140162, MedGen C0027672, MeSH D009386, MONDO:0015356.

Submission:

Ambry Genetics
Classification: Uncertain significance for Hereditary cancer-predisposing syndrome. Last evaluated: 2025-04-07. Review status: criteria provided, single submitter. Criteria: Ambry Variant Classification Scheme 2023. Collection method: clinical testing. Allele origin: germline.
Comment: The p.H424Q variant (also known as c.1272C>A), located in coding exon 8 of the PDGFRA gene, results from a C to A substitution at nucleotide position 1272. The histidine at codon 424 is replaced by glutamine, an amino acid with highly similar properties. This amino acid position is conserved. In addition, this alteration is predicted to be tolerated by in silico analysis. Based on the available evidence, the clinical significance of this variant remains unclear.